The following is an entry in ClinVar:

ClinVar aggregate classification (germline): Likely pathogenic (1 of 4 stars; one submission).

Conditions:
Renal carnitine transport defect (CDSP). Also called: Systemic primary carnitine deficiency disease; Carnitine Deficiency, Systemic; Primary carnitine deficiency; Systemic primary carnitine deficiency; Carnitine transporter deficiency; CARNITINE DEFICIENCY, SYSTEMIC, DUE TO DEFECT IN RENAL REABSORPTION OF CARNITINE. Identifiers: Orphanet 158, MedGen C0342788, MONDO:0008919, OMIM 212140.

Submission:

Labcorp Genetics (formerly Invitae), Labcorp
Classification: Likely pathogenic for Renal carnitine transport defect. Last evaluated: 2025-11-22. Review status: criteria provided, single submitter. Criteria: Invitae Variant Classification Sherloc (09022015). Collection method: clinical testing. Allele origin: germline.
Comment: This sequence change replaces serine, which is neutral and polar, with arginine, which is basic and polar, at codon 26 of the SLC22A5 protein (p.Ser26Arg). This variant is not present in population databases (gnomAD no frequency). This variant has not been reported in the literature in individuals affected with SLC22A5-related conditions. Invitae Evidence Modeling of protein sequence and biophysical properties (such as structural, functional, and spatial information, amino acid conservation, physicochemical variation, residue mobility, and thermodynamic stability) indicates that this missense variant is expected to disrupt SLC22A5 protein function with a positive predictive value of 95%. This variant disrupts the p.Ser26 amino acid residue in SLC22A5. Other variant(s) that disrupt this residue have been determined to be pathogenic (PMID: 21922592). This suggests that this residue is clinically significant, and that variants that disrupt this residue are likely to be disease-causing. In summary, the currently available evidence indicates that the variant is pathogenic, but additional data are needed to prove that conclusively. Therefore, this variant has been classified as Likely Pathogenic.

Literature cited by the submitters: PubMed 21922592.

NM_003060.4(SLC22A5):c.76A>C (p.Ser26Arg)

Gene: SLC22A5 (solute carrier family 22 member 5; plus strand). Cytogenetic location: 5q31.1.
Variant type: single nucleotide variant.
Coding change: c.76A>C on transcript NM_003060.4 (MANE Select); coding-DNA position 76, A replaced by C.
Protein change: p.Ser26Arg; replaces serine 26 with arginine.
Molecular consequence: missense variant.
Genome position (GRCh38, 1-based): chr5:132,370,048, A>C. VCF-style: chr5-132370048-A-C. GRCh37 (hg19) VCF-style: chr5-131705740-A-C.
Other names: c.76A>C, p.Ser26Arg (NM_001308122.2); short protein forms S26R.
Identifiers: ClinVar variation 4709897 (VCV004709897.1).